The following is an entry in ClinVar:

NM_020937.4(FANCM):c.3524A>C (p.Gln1175Pro)

Gene: FANCM (FA complementation group M; plus strand). Cytogenetic location: 14q21.2.
Variant type: single nucleotide variant.
Coding change: c.3524A>C on transcript NM_020937.4 (MANE Select); coding-DNA position 3524, A replaced by C.
Protein change: p.Gln1175Pro; replaces glutamine 1175 with proline.
Molecular consequence: missense variant.
Genome position (GRCh38, 1-based): chr14:45,176,278, A>C. VCF-style: chr14-45176278-A-C. GRCh37 (hg19) VCF-style: chr14-45645481-A-C.
Other names: c.3446A>C, p.Gln1149Pro (NM_001308133.2); short protein forms Q1149P, Q1175P.
Identifiers: ClinVar variation 2499869 (VCV002499869.2), dbSNP rs775853050, ClinGen allele CA389601905.

ClinVar aggregate classification (germline): Uncertain significance (1 of 4 stars; one submission).

gnomAD v4.1: 17 of 1,614,080 alleles (0.0011%); highest among the groups gnomAD compares: Non-Finnish European, 0.0014%; no homozygotes.

Submission:

GeneDx
Classification: Uncertain significance. Last evaluated: 2024-08-07. Review status: criteria provided, single submitter. Criteria: GeneDx Variant Classification Process June 2021. Collection method: clinical testing. Allele origin: germline.
Comment: Not observed at significant frequency in large population cohorts (gnomAD); In silico analysis indicates that this missense variant does not alter protein structure/function; Has not been previously published as pathogenic or benign to our knowledge